The following is an entry in ClinVar:

NM_003873.7(NRP1):c.1497C>A (p.Ile499=)

Gene: NRP1 (neuropilin 1; minus strand). Cytogenetic location: 10p11.22.
Variant type: single nucleotide variant.
Coding change: c.1497C>A on transcript NM_003873.7 (MANE Select); coding-DNA position 1497, C replaced by A.
Protein change: p.Ile499=; no amino-acid change (isoleucine 499 retained).
Molecular consequence: synonymous variant. On other transcripts: non-coding transcript variant (1).
Genome position (GRCh38, 1-based): chr10:33,213,503, G>T on the plus strand (C>A on the coding strand, the complement: NRP1 is on the minus strand). VCF-style: chr10-33213503-G-T. GRCh37 (hg19) VCF-style: chr10-33502431-G-T.
Other names: c.1497C>A, p.Ile499= (NM_001024628.3, NM_001024629.3, NM_001244972.2 and 2 more transcripts).
Identifiers: ClinVar variation 3033357 (VCV003033357.2), dbSNP rs371064398, ClinGen allele CA5466634.

ClinVar aggregate classification (germline): Likely benign (0 of 4 stars; one submission).

Conditions:
NRP1-related disorder. Also called: NRP1-related condition.

Allele frequency attached by ClinVar (database versions not stated): gnomAD 0.00009; ESP Exome Variant Server 0.00015; ExAC 0.00020.
gnomAD v4.1: 328 of 1,613,972 alleles (0.02%); highest among the groups gnomAD compares: South Asian, 0.053%; 1 homozygote.

Submission:

PreventionGenetics, part of Exact Sciences
Classification: Likely benign for NRP1-related condition. Last evaluated: 2021-08-02. Review status: no assertion criteria provided. Collection method: clinical testing. Allele origin: germline.
Comment: This variant is classified as likely benign based on ACMG/AMP sequence variant interpretation guidelines (Richards et al. 2015 PMID: 25741868, with internal and published modifications).